The following is an entry in ClinVar:

ClinVar aggregate classification (germline): Pathogenic (1 of 4 stars; one submission).

Conditions:
Pheochromocytoma/paraganglioma syndrome 3. Also called: GLOMUS TUMORS, FAMILIAL, 3; SDHC-Related Hereditary Paraganglioma-Pheochromocytoma Syndrome; Paragangliomas 3; SDHC-Related Hereditary Paraganglioma-Pheochromocytoma Syndrome (Paragangliomas 3). Identifiers: Orphanet 29072, MedGen C1854336, MONDO:0011544, OMIM 605373.
Gastrointestinal stromal tumor. Also called: Gastrointestinal stromal tumor, somatic; Gastrointestinal stroma tumor. Identifiers: Orphanet 44890, MedGen C0238198, MeSH D046152, MONDO:0011719, OMIM 606764, HP:0100723.

Submission:

Labcorp Genetics (formerly Invitae), Labcorp
Classification: Pathogenic for Pheochromocytoma/paraganglioma syndrome 3; Gastrointestinal stromal tumor. Last evaluated: 2018-04-06. Review status: criteria provided, single submitter. Criteria: Invitae Variant Classification Sherloc (09022015). Collection method: clinical testing. Allele origin: germline.
Comment: For these reasons, this variant has been classified as Pathogenic. This sequence change creates a premature translational stop signal (p.Arg72Leufs*7) in the SDHC gene. It is expected to result in an absent or disrupted protein product. This variant is not present in population databases (ExAC no frequency). This variant has not been reported in the literature in individuals with SDHC-related disease. Loss-of-function variants in SDHC are known to be pathogenic (PMID: 19454582, 24758179).

Literature cited by the submitters: PubMed 19454582; PubMed 24758179.

NM_003001.5(SDHC):c.215del (p.Arg72fs)

Gene: SDHC (succinate dehydrogenase complex subunit C; plus strand). Cytogenetic location: 1q23.3.
Variant type: Deletion.
Coding change: c.215del on transcript NM_003001.5 (MANE Select); coding-DNA position 215, one base deleted (G; older notation c.215delG).
Protein change: p.Arg72fs; shifts the reading frame from arginine 72.
Molecular consequence: frameshift variant.
Genome position (GRCh38, 1-based): chr1:161,340,629, G deleted. VCF-style (leftmost placement, unchanged base first): chr1-161340628-CG-C. GRCh37 (hg19) VCF-style: chr1-161310418-CG-C.
Other names: c.215delG, p.Arg72Leufs (NM_001035511.3); c.113delG, p.Arg38Leufs (NM_001035512.3, NM_001278172.3, NM_001407118.1); c.56delG, p.Arg19Leufs (NM_001035513.3); c.335delG, p.Arg112Leufs (NM_001407115.1); c.158delG, p.Arg53Leufs (NM_001407116.1, NM_001407117.1, NM_001407121.1); c.104delG, p.Arg35Leufs (NM_001407119.1, NM_001407120.1); short protein forms R38fs, R72fs, R19fs.
Identifiers: ClinVar variation 534368 (VCV000534368.7), dbSNP rs1553264218, ClinGen allele CA658795560.